The following is an entry in ClinVar:

NM_004727.3(SLC24A1):c.2515G>A (p.Gly839Ser)

Gene: SLC24A1 (solute carrier family 24 member 1; plus strand). Cytogenetic location: 15q22.31.
Variant type: single nucleotide variant.
Coding change: c.2515G>A on transcript NM_004727.3 (MANE Select); coding-DNA position 2515, G replaced by A.
Protein change: p.Gly839Ser; replaces glycine 839 with serine.
Molecular consequence: missense variant.
Genome position (GRCh38, 1-based): chr15:65,650,664, G>A. VCF-style: chr15-65650664-G-A. GRCh37 (hg19) VCF-style: chr15-65943002-G-A.
Other names: c.496G>A, p.Gly166Ser (NM_001254740.2); c.2515G>A, p.Gly839Ser (NM_001301031.1); c.2461G>A, p.Gly821Ser (NM_001301032.1, NM_001301033.2); short protein forms G166S, G821S, G839S.
Identifiers: ClinVar variation 1007708 (VCV001007708.10), dbSNP rs189145517, ClinGen allele CA7620137.

ClinVar aggregate classification (germline): Uncertain significance. Review status: criteria provided, multiple submitters, no conflicts (2 of 4 stars). 4 submissions from 4 submitters: Uncertain significance (4). Last evaluated 2025-09-02.

Conditions:
Inborn genetic diseases. Identifiers: MedGen C0950123, MeSH D030342.

Allele frequency attached by ClinVar (database versions not stated): 1000 Genomes Project 30x 0.00016; gnomAD exomes 0.00004; gnomAD 0.00009 and 0.00010; TOPMed 0.00011; ExAC 0.00008; ESP Exome Variant Server 0.00008; 1000 Genomes Project 0.00020.

Submissions (4):

Labcorp Genetics (formerly Invitae), Labcorp
Classification: Uncertain significance. Last evaluated: 2025-09-02. Review status: criteria provided, single submitter. Criteria: Invitae Variant Classification Sherloc (09022015). Collection method: clinical testing. Allele origin: germline.
Comment: This sequence change replaces glycine, which is neutral and non-polar, with serine, which is neutral and polar, at codon 839 of the SLC24A1 protein (p.Gly839Ser). This variant is present in population databases (rs189145517, gnomAD 0.04%). This variant has not been reported in the literature in individuals affected with SLC24A1-related conditions. ClinVar contains an entry for this variant (Variation ID: 1007708). An algorithm developed to predict the effect of missense changes on protein structure and function outputs the following: PolyPhen-2: "Benign". The serine amino acid residue is found in multiple mammalian species, which suggests that this missense change does not adversely affect protein function. In summary, the available evidence is currently insufficient to determine the role of this variant in disease. Therefore, it has been classified as a Variant of Uncertain Significance.

Blueprint Genetics
Classification: Uncertain significance. Last evaluated: 2023-10-27. Review status: criteria provided, single submitter. Criteria: ACMG Guidelines, 2015. Collection method: clinical testing. Allele origin: germline.

Ambry Genetics
Classification: Uncertain significance for Inborn genetic diseases. Last evaluated: 2023-05-30. Review status: criteria provided, single submitter. Criteria: Ambry Variant Classification Scheme 2023. Collection method: clinical testing. Allele origin: germline.

GeneDx
Classification: Uncertain significance. Last evaluated: 2019-11-06. Review status: criteria provided, single submitter. Criteria: GeneDx Variant Classification Process June 2021. Collection method: clinical testing. Allele origin: germline. Affected: yes.
Comment: In silico analysis, which includes protein predictors and evolutionary conservation, supports that this variant does not alter protein structure/function; Has not been previously published as pathogenic or benign to our knowledge